The following is an entry in ClinVar:

NM_014491.4(FOXP2):c.*207T>C

Gene: FOXP2 (forkhead box P2; plus strand). Cytogenetic location: 7q31.1.
Variant type: single nucleotide variant.
Coding change: c.*207T>C on transcript NM_014491.4 (MANE Select); 207 bases downstream of the stop codon, T replaced by C.
Molecular consequence: 3 prime UTR variant. On other transcripts: non-coding transcript variant (2).
Genome position (GRCh38, 1-based): chr7:114,690,133, T>C. VCF-style: chr7-114690133-T-C. GRCh37 (hg19) VCF-style: chr7-114330188-T-C.
Other names: c.*207T>C (NM_001172766.3, NM_148898.4, NM_148900.4).
Identifiers: ClinVar variation 358620 (VCV000358620.5), dbSNP rs776533754, ClinGen allele CA4446366.
Genomic context (GRCh38, chr7:114,690,133, plus strand): 5'-GCCCTTTGGGATTCAGTACCAACAGGCAAATTGCTTGTTTTCTTCTTCTTCTTCTTCTTT[T>C]TTTTTTTTTTTTTAGAAAAAAAGACAAAAACTGATTTTCTTGAAAAAAAAAAATGAACTG-3'

ClinVar aggregate classification (germline): Benign (1 of 4 stars; one submission).

Conditions:
Childhood apraxia of speech (SPCH1). Also called: DEVELOPMENTAL VERBAL DYSPRAXIA; Speech language disorder; FOXP2-Related Speech and Language Disorder; SPEECH AND LANGUAGE DISORDER WITH OROFACIAL DYSPRAXIA. Identifiers: Orphanet 209908, MedGen C0750927, MONDO:0011184, OMIM 602081.

Allele frequency attached by ClinVar (database versions not stated): ExAC 0.00022; gnomAD 0.00107 and 0.00109; gnomAD exomes 0.00188.
gnomAD v4.1: 497 of 448,720 alleles (0.11%); highest among the groups gnomAD compares: Non-Finnish European, 0.19%; no homozygotes.

Submission:

Illumina Laboratory Services, Illumina
Classification: Benign for Childhood apraxia of speech. Last evaluated: 2018-01-13. Review status: criteria provided, single submitter. Criteria: ICSL Variant Classification Criteria 13 December 2019. Collection method: clinical testing. Allele origin: germline.
Comment: This variant was observed in the ICSL laboratory as part of a predisposition screen in an ostensibly healthy population. It had not been previously curated by ICSL or reported in the Human Gene Mutation Database (HGMD: prior to June 1st, 2018), and was therefore a candidate for classification through an automated scoring system. Utilizing variant allele frequency, disease prevalence and penetrance estimates, and inheritance mode, an automated score was calculated to assess if this variant is too frequent to cause the disease. Based on the score and internal cut-off values, a variant classified as benign is not then subjected to further curation. The score for this variant resulted in a classification of benign for this disease.